The following is an entry in ClinVar:

NM_005499.3(UBA2):c.941A>G (p.Asp314Gly)

Gene: UBA2 (ubiquitin like modifier activating enzyme 2; plus strand). Cytogenetic location: 19q13.11.
Variant type: single nucleotide variant.
Coding change: c.941A>G on transcript NM_005499.3 (MANE Select); coding-DNA position 941, A replaced by G.
Protein change: p.Asp314Gly; replaces aspartic acid 314 with glycine.
Molecular consequence: missense variant.
Genome position (GRCh38, 1-based): chr19:34,452,050, A>G. VCF-style: chr19-34452050-A-G. GRCh37 (hg19) VCF-style: chr19-34942955-A-G.
Other names: c.653A>G, p.Asp218Gly (NM_001411139.1); short protein forms D218G, D314G.
Identifiers: ClinVar variation 2504461 (VCV002504461.1), dbSNP rs2513961143, ClinGen allele CA405256024.
Genomic context (GRCh38, chr19:34,452,050, plus strand): 5'-CGAATGCATCAGATCAACAGAATGAACCCCAGTTAGGCCTGAAAGACCAGCAGGTTCTAG[A>G]TGTAAAGAGCTATGCACGTCTTTTTTCAAAGAGCATCGAGACTTTGAGAGTTCATTTAGC-3'
Protein context (NP_005490.1, residues 304-324): QLGLKDQQVL[Asp314Gly]VKSYARLFSK

ClinVar aggregate classification (germline): Uncertain significance (1 of 4 stars; one submission).

Submission:

GeneDx
Classification: Uncertain significance. Last evaluated: 2022-11-22. Review status: criteria provided, single submitter. Criteria: GeneDx Variant Classification Process June 2021. Collection method: clinical testing. Allele origin: germline. Affected: yes.
Comment: Not observed at significant frequency in large population cohorts (gnomAD); In silico analysis supports that this missense variant does not alter protein structure/function; Has not been previously published as pathogenic or benign to our knowledge